The following is an entry in ClinVar:

NM_000214.3(JAG1):c.3623C>T (p.Ala1208Val)

Gene: JAG1 (jagged canonical Notch ligand 1; minus strand). Cytogenetic location: 20p12.2.
Variant type: single nucleotide variant.
Coding change: c.3623C>T on transcript NM_000214.3 (MANE Select); coding-DNA position 3623, C replaced by T.
Protein change: p.Ala1208Val; replaces alanine 1208 with valine.
Molecular consequence: missense variant.
Genome position (GRCh38, 1-based): chr20:10,639,532, G>A on the plus strand (C>T on the coding strand, the complement: JAG1 is on the minus strand). VCF-style: chr20-10639532-G-A. GRCh37 (hg19) VCF-style: chr20-10620180-G-A.
Other names: c.3623C>T (NM_000214.2); short protein forms A1208V.
Identifiers: ClinVar variation 1445935 (VCV001445935.7), dbSNP rs2122592834, ClinGen allele CA408242271.

ClinVar aggregate classification (germline): Uncertain significance. Review status: criteria provided, multiple submitters, no conflicts (2 of 4 stars). 2 submissions from 2 submitters: Uncertain significance (2). Last evaluated 2024-09-22.

Conditions:
Alagille syndrome due to a JAG1 point mutation. Also called: JAG1-Related Alagille Syndrome; Alagille Syndrome 1; HEPATIC DUCTULAR HYPOPLASIA, SYNDROMATIC. Identifiers: Orphanet 261619, Orphanet 52, MedGen C1956125, MONDO:0016862, OMIM 118450.
Cardiovascular phenotype. Identifiers: MedGen CN230736.

Allele frequency attached by ClinVar (database versions not stated): gnomAD exomes 0.00001.
gnomAD v4.1: 5 of 1,614,192 alleles (0.00031%); highest among the groups gnomAD compares: Non-Finnish European, 0.00042%; no homozygotes.

Submissions (2):

Ambry Genetics
Classification: Uncertain significance for Cardiovascular phenotype. Last evaluated: 2024-09-22. Review status: criteria provided, single submitter. Criteria: Ambry Variant Classification Scheme 2023. Collection method: clinical testing. Allele origin: germline.
Comment: The p.A1208V variant (also known as c.3623C>T), located in coding exon 26 of the JAG1 gene, results from a C to T substitution at nucleotide position 3623. The alanine at codon 1208 is replaced by valine, an amino acid with similar properties. This amino acid position is conserved. In addition, this alteration is predicted to be deleterious by in silico analysis. Based on the available evidence, the clinical significance of this variant remains unclear.

Labcorp Genetics (formerly Invitae), Labcorp
Classification: Uncertain significance for Alagille syndrome due to a JAG1 point mutation. Last evaluated: 2023-10-09. Review status: criteria provided, single submitter. Criteria: Invitae Variant Classification Sherloc (09022015). Collection method: clinical testing. Allele origin: germline.
Comment: This sequence change replaces alanine, which is neutral and non-polar, with valine, which is neutral and non-polar, at codon 1208 of the JAG1 protein (p.Ala1208Val). This variant is not present in population databases (gnomAD no frequency). This variant has not been reported in the literature in individuals affected with JAG1-related conditions. ClinVar contains an entry for this variant (Variation ID: 1445935). Advanced modeling of protein sequence and biophysical properties (such as structural, functional, and spatial information, amino acid conservation, physicochemical variation, residue mobility, and thermodynamic stability) performed at Invitae indicates that this missense variant is not expected to disrupt JAG1 protein function. In summary, the available evidence is currently insufficient to determine the role of this variant in disease. Therefore, it has been classified as a Variant of Uncertain Significance.